The following is an entry in ClinVar:

NM_002471.4(MYH6):c.3852C>T (p.Thr1284=)

Gene: MYH6 (myosin heavy chain 6; minus strand). Cytogenetic location: 14q11.2.
Variant type: single nucleotide variant.
Coding change: c.3852C>T on transcript NM_002471.4 (MANE Select); coding-DNA position 3852, C replaced by T.
Protein change: p.Thr1284=; no amino-acid change (threonine 1284 retained).
Molecular consequence: synonymous variant.
Genome position (GRCh38, 1-based): chr14:23,389,600, G>A on the plus strand (C>T on the coding strand, the complement: MYH6 is on the minus strand). VCF-style: chr14-23389600-G-A. GRCh37 (hg19) VCF-style: chr14-23858809-G-A.
Identifiers: ClinVar variation 510101 (VCV000510101.8), dbSNP rs141143152, ClinGen allele CA7115058.

ClinVar aggregate classification (germline): Likely benign. Review status: criteria provided, multiple submitters, no conflicts (2 of 4 stars). 3 submissions from 3 submitters: Likely benign (3). Last evaluated 2026-07-08.

Conditions:
Cardiovascular phenotype. Identifiers: MedGen CN230736.
Hypertrophic cardiomyopathy 14. Identifiers: MedGen C2750467, MONDO:0013197, OMIM 613251.

Allele frequency attached by ClinVar (database versions not stated): gnomAD 0.00001; TOPMed 0.00002; ESP Exome Variant Server 0.00008; 1000 Genomes Project 30x 0.00016; 1000 Genomes Project 0.00020.
gnomAD v4.1: 67 of 1,614,214 alleles (0.0042%); highest among the groups gnomAD compares: South Asian, 0.014%; no homozygotes.

Submissions (3):

Ambry Genetics
Classification: Likely benign for Cardiovascular phenotype. Last evaluated: 2026-07-08. Review status: criteria provided, single submitter. Criteria: Ambry Variant Classification Scheme 2023. Collection method: clinical testing. Allele origin: germline.

Labcorp Genetics (formerly Invitae), Labcorp
Classification: Likely benign for Hypertrophic cardiomyopathy 14. Last evaluated: 2025-08-16. Review status: criteria provided, single submitter. Criteria: Invitae Variant Classification Sherloc (09022015). Collection method: clinical testing. Allele origin: germline.

GeneDx
Classification: Likely benign. Last evaluated: 2017-06-08. Review status: criteria provided, single submitter. Criteria: GeneDx Variant Classification (06012015). Collection method: clinical testing. Allele origin: germline. Affected: yes.
Comment: This variant is considered likely benign or benign based on one or more of the following criteria: it is a conservative change, it occurs at a poorly conserved position in the protein, it is predicted to be benign by multiple in silico algorithms, and/or has population frequency not consistent with disease.